The following is an entry in ClinVar:

ClinVar aggregate classification (germline): Uncertain significance (1 of 4 stars; one submission).

Conditions:
Kabuki syndrome. Also called: NIIKAWA-KUROKI SYNDROME; Kabuki make-up syndrome. Identifiers: Orphanet 2322, MedGen C0796004, MONDO:0016512.

Submission:

Labcorp Genetics (formerly Invitae), Labcorp
Classification: Uncertain significance for Kabuki syndrome. Last evaluated: 2024-06-01. Review status: criteria provided, single submitter. Criteria: Invitae Variant Classification Sherloc (09022015). Collection method: clinical testing. Allele origin: germline.
Comment: This sequence change affects codon 2621 of the KMT2D mRNA. It is a 'silent' change, meaning that it does not change the encoded amino acid sequence of the KMT2D protein. This variant is not present in population databases (gnomAD no frequency). This variant has not been reported in the literature in individuals affected with KMT2D-related conditions. Algorithms developed to predict the effect of sequence changes on RNA splicing suggest that this variant may create or strengthen a splice site. In summary, the available evidence is currently insufficient to determine the role of this variant in disease. Therefore, it has been classified as a Variant of Uncertain Significance.

NM_003482.4(KMT2D):c.7863C>T (p.Pro2621=)

Gene: KMT2D (lysine methyltransferase 2D; minus strand). Cytogenetic location: 12q13.12.
Variant type: single nucleotide variant.
Coding change: c.7863C>T on transcript NM_003482.4 (MANE Select); coding-DNA position 7863, C replaced by T.
Protein change: p.Pro2621=; no amino-acid change (proline 2621 retained).
Molecular consequence: synonymous variant.
Genome position (GRCh38, 1-based): chr12:49,039,907, G>A on the plus strand (C>T on the coding strand, the complement: KMT2D is on the minus strand). VCF-style: chr12-49039907-G-A. GRCh37 (hg19) VCF-style: chr12-49433690-G-A.
Identifiers: ClinVar variation 3611317 (VCV003611317.2).